The following is an entry in ClinVar:

ClinVar aggregate classification (germline): Uncertain significance (1 of 4 stars; one submission).

Allele frequency attached by ClinVar (database versions not stated): gnomAD 0.00001 and 0.00002; ExAC 0.00002; gnomAD exomes 0.00002; ESP Exome Variant Server 0.00008.
gnomAD v4.1: 30 of 1,610,032 alleles (0.0019%); highest among the groups gnomAD compares: South Asian, 0.012%; no homozygotes.

Submission:

Labcorp Genetics (formerly Invitae), Labcorp
Classification: Uncertain significance. Last evaluated: 2021-09-21. Review status: criteria provided, single submitter. Criteria: Invitae Variant Classification Sherloc (09022015). Collection method: clinical testing. Allele origin: germline.
Comment: This sequence change replaces arginine with histidine at codon 906 of the SPEG protein (p.Arg906His). The arginine residue is highly conserved and there is a small physicochemical difference between arginine and histidine. This variant is present in population databases (rs372084593, ExAC 0.01%). This variant has not been reported in the literature in individuals affected with SPEG-related conditions. Algorithms developed to predict the effect of missense changes on protein structure and function are either unavailable or do not agree on the potential impact of this missense change (SIFT: "Deleterious"; PolyPhen-2: "Probably Damaging"; Align-GVGD: "Class C0"). In summary, the available evidence is currently insufficient to determine the role of this variant in disease. Therefore, it has been classified as a Variant of Uncertain Significance.

NM_005876.5(SPEG):c.2717G>A (p.Arg906His)

Gene: SPEG (striated muscle enriched protein kinase; plus strand). Cytogenetic location: 2q35.
Variant type: single nucleotide variant.
Coding change: c.2717G>A on transcript NM_005876.5 (MANE Select); coding-DNA position 2717, G replaced by A.
Protein change: p.Arg906His; replaces arginine 906 with histidine.
Molecular consequence: missense variant.
Genome position (GRCh38, 1-based): chr2:219,464,444, G>A. VCF-style: chr2-219464444-G-A. GRCh37 (hg19) VCF-style: chr2-220329166-G-A.
Other names: c.170G>A, p.Arg57His (NM_001173476.2); short protein forms R906H, R57H.
Identifiers: ClinVar variation 1481424 (VCV001481424.3), dbSNP rs372084593, ClinGen allele CA2125939.